The following is an entry in ClinVar:

NM_000719.7(CACNA1C):c.3262C>G (p.Pro1088Ala)

Gene: CACNA1C (calcium voltage-gated channel subunit alpha1 C; plus strand). Cytogenetic location: 12p13.33.
Variant type: single nucleotide variant.
Coding change: c.3262C>G on transcript NM_000719.7 (MANE Select); coding-DNA position 3262, C replaced by G.
Protein change: p.Pro1088Ala; replaces proline 1088 with alanine.
Molecular consequence: missense variant.
Genome position (GRCh38, 1-based): chr12:2,607,036, C>G. VCF-style: chr12-2607036-C-G. GRCh37 (hg19) VCF-style: chr12-2716202-C-G.
Other names: c.3322C>G, p.Pro1108Ala (NM_001129827.2, NM_001129832.2, NM_199460.4); c.3262C>G, p.Pro1088Ala (NM_001129829.2, NM_001129830.3, NM_001129831.2 and 15 more transcripts); c.3253C>G, p.Pro1085Ala (NM_001129844.2); short protein forms P1088A, P1085A, P1108A.
Identifiers: ClinVar variation 1427933 (VCV001427933.6), dbSNP rs1384280348, ClinGen allele CA383374802.

ClinVar aggregate classification (germline): Uncertain significance (1 of 4 stars; one submission).

Conditions:
Long QT syndrome (LQTS). Identifiers: MedGen C0023976, MeSH D008133, MONDO:0002442. Disease mechanism: loss of function. Inheritance: Various modes of inheritance.

gnomAD v4.1: 1 of 1,613,902 alleles (0.000062%); highest among the groups gnomAD compares: Non-Finnish European, 0.000085%; no homozygotes.

Submission:

Labcorp Genetics (formerly Invitae), Labcorp
Classification: Uncertain significance for Long QT syndrome. Last evaluated: 2025-06-09. Review status: criteria provided, single submitter. Criteria: Invitae Variant Classification Sherloc (09022015). Collection method: clinical testing. Allele origin: germline.
Comment: This sequence change replaces proline, which is neutral and non-polar, with alanine, which is neutral and non-polar, at codon 1088 of the CACNA1C protein (p.Pro1088Ala). This variant is not present in population databases (gnomAD no frequency). This variant has not been reported in the literature in individuals affected with CACNA1C-related conditions. ClinVar contains an entry for this variant (Variation ID: 1427933). Invitae Evidence Modeling of protein sequence and biophysical properties (such as structural, functional, and spatial information, amino acid conservation, physicochemical variation, residue mobility, and thermodynamic stability) indicates that this missense variant is not expected to disrupt CACNA1C protein function with a negative predictive value of 95%. In summary, the available evidence is currently insufficient to determine the role of this variant in disease. Therefore, it has been classified as a Variant of Uncertain Significance.